The following is an entry in ClinVar:

NM_001035.3(RYR2):c.10174_10175delinsAG (p.Ala3392Arg)

Gene: RYR2 (ryanodine receptor 2; plus strand). Cytogenetic location: 1q43.
Variant type: Indel.
Coding change: c.10174_10175delinsAG on transcript NM_001035.3 (MANE Select); coding-DNA positions 10174 to 10175, GC replaced by AG.
Protein change: p.Ala3392Arg; replaces alanine 3392 with arginine.
Molecular consequence: missense variant.
Genome position (GRCh38, 1-based): chr1:237,709,511-237,709,512, GC replaced by AG. VCF-style: chr1-237709511-GC-AG. GRCh37 (hg19) VCF-style: chr1-237872811-GC-AG.
Other names: short protein forms A3392R.
Identifiers: ClinVar variation 1746242 (VCV001746242.2), dbSNP rs2547416303, ClinGen allele CA2580062448.
Genomic context (GRCh38, chr1:237,709,511, plus strand): 5'-GAAACCACTTTATTTATTATGTGATCCAGGGCAAAGTGGCTAAAGGAGCCTAACCCAGAA[GC>AG]AGAGGAGCTCTTCCGCATGGTGGCTGAAGTGTTTATCTACTGGTCGAAGTCCCATGTGAG-3'
Protein context (NP_001026.2, residues 3382-3402): AKWLKEPNPE[Ala3392Arg]EELFRMVAEV

ClinVar aggregate classification (germline): Uncertain significance (1 of 4 stars; one submission).

Conditions:
Cardiovascular phenotype. Identifiers: MedGen CN230736.

Submission:

Ambry Genetics
Classification: Uncertain significance for Cardiovascular phenotype. Last evaluated: 2020-08-10. Review status: criteria provided, single submitter. Criteria: Ambry Variant Classification Scheme 2023. Collection method: clinical testing. Allele origin: germline.
Comment: The c.10174_10175delGCinsAG variant (also known as p.A3392R), located in coding exon 70 of the RYR2 gene, results from an in-frame deletion of GC and insertion of AG at nucleotide positions 10174 to 10175. This results in the substitution of the alanine residue for an arginine residue at codon 3392, an amino acid with dissimilar properties. This amino acid position is highly conserved in available vertebrate species. In addition, this alteration is predicted to be inconclusive by in silico analysis (Choi Y et al. PLoS ONE. 2012; 7(10):e46688). Since supporting evidence is limited at this time, the clinical significance of this alteration remains unclear.